The following is an entry in ClinVar:

ClinVar aggregate classification (germline): Likely pathogenic (1 of 4 stars; one submission).

Conditions:
Dilated cardiomyopathy 1G (CMD1G). Identifiers: Orphanet 154, MedGen C1858763, MONDO:0011400, OMIM 604145.
Autosomal recessive limb-girdle muscular dystrophy type 2J (LGMDR10). Also called: Limb-girdle muscular dystrophy, type 2J; MUSCULAR DYSTROPHY, LIMB-GIRDLE, AUTOSOMAL RECESSIVE 10. Identifiers: Orphanet 140922, MedGen C1837342, MONDO:0012127, OMIM 608807.

Submission:

Labcorp Genetics (formerly Invitae), Labcorp
Classification: Likely pathogenic for Dilated cardiomyopathy 1G; Autosomal recessive limb-girdle muscular dystrophy type 2J. Last evaluated: 2022-08-09. Review status: criteria provided, single submitter. Criteria: Invitae Variant Classification Sherloc (09022015). Collection method: clinical testing. Allele origin: germline.
Comment: This sequence change creates a premature translational stop signal (p.Tyr24349*) in the TTN gene. While this is not anticipated to result in nonsense mediated decay, it is expected to create a truncated TTN protein. This variant is not present in population databases (gnomAD no frequency). This variant has not been reported in the literature in individuals affected with TTN-related conditions. ClinVar contains an entry for this variant (Variation ID: 952659). This variant is located in the A band of TTN (PMID: 25589632). Truncating variants in this region are significantly overrepresented in patients affected with dilated cardiomyopathy (PMID: 25589632). Truncating variants in this region have also been reported in individuals affected with autosomal recessive centronuclear myopathy (PMID: 23975875). In summary, the currently available evidence indicates that the variant is pathogenic, but additional data are needed to prove that conclusively. Therefore, this variant has been classified as Likely Pathogenic.

Literature cited by the submitters: PubMed 25589632; PubMed 23975875.

NM_001267550.2(TTN):c.73046_73047del (p.Ile24348_Tyr24349insTer)

Genes: TTN-AS1 (TTN antisense RNA 1; plus strand), TTN (titin; minus strand). Cytogenetic location: 2q31.2.
Variant type: Deletion.
Coding change: c.73046_73047del on transcript NM_001267550.2 (MANE Select); coding-DNA positions 73046 to 73047, 2 bases deleted (AT; older notation c.73046_73047delAT).
Protein change: p.Ile24348_Tyr24349insTer.
Molecular consequence: nonsense.
Genome position (GRCh38, 1-based): chr2:178,573,085-178,573,086, AT deleted on the plus strand (AT on the coding strand, the reverse complement: TTN is on the minus strand); deleting any 2 consecutive bases within chr2:178,573,085-178,573,087 gives the same sequence; the c. name uses the placement nearest the transcript's 3' end. VCF-style (leftmost placement, unchanged base first): chr2-178573084-CAT-C. GRCh37 (hg19) VCF-style: chr2-179437811-CAT-C.
Other names: c.68123_68124del, p.Ile22707_Tyr22708insTer (NM_001256850.1); c.45851_45852del, p.Ile15283_Tyr15284insTer (NM_003319.4); c.65342_65343del, p.Ile21780_Tyr21781insTer (NM_133378.4); c.46226_46227del, p.Ile15408_Tyr15409insTer (NM_133432.3); c.46427_46428del, p.Ile15475_Tyr15476insTer (NM_133437.4).
Identifiers: ClinVar variation 952659 (VCV000952659.10), dbSNP rs1708834541, ClinGen allele CA1139657504.